The following is an entry in ClinVar:

ClinVar aggregate classification (germline): Uncertain significance (1 of 4 stars; one submission).

Conditions:
Inborn genetic diseases. Identifiers: MedGen C0950123, MeSH D030342.

gnomAD v4.1: 8 of 1,613,396 alleles (0.0005%); highest among the groups gnomAD compares: Non-Finnish European, 0.00068%; no homozygotes.

Submission:

Ambry Genetics
Classification: Uncertain significance for Inborn genetic diseases. Last evaluated: 2026-03-12. Review status: criteria provided, single submitter. Criteria: Ambry Variant Classification Scheme 2023. Collection method: clinical testing. Allele origin: germline.
Comment: The p.Q287R variant (also known as c.860A>G), located in coding exon 8 of the ANKRD26 gene, results from an A to G substitution at nucleotide position 860. The glutamine at codon 287 is replaced by arginine, an amino acid with highly similar properties. This amino acid position is conserved. In addition, this alteration is predicted to be tolerated by in silico analysis. Based on the available evidence, the clinical significance of this variant remains unclear.

NM_014915.3(ANKRD26):c.860A>G (p.Gln287Arg)

Gene: ANKRD26 (ankyrin repeat domain 26; minus strand). Cytogenetic location: 10p12.1.
Variant type: single nucleotide variant.
Coding change: c.860A>G on transcript NM_014915.3 (MANE Select); coding-DNA position 860, A replaced by G.
Protein change: p.Gln287Arg; replaces glutamine 287 with arginine.
Molecular consequence: missense variant.
Genome position (GRCh38, 1-based): chr10:27,077,647, T>C on the plus strand (A>G on the coding strand, the complement: ANKRD26 is on the minus strand). VCF-style: chr10-27077647-T-C. GRCh37 (hg19) VCF-style: chr10-27366576-T-C.
Other names: c.860A>G, p.Gln287Arg (NM_001256053.2); short protein forms Q287R.
Identifiers: ClinVar variation 4825298 (VCV004825298.1).